The following is an entry in ClinVar:

NM_053013.4(ENO3):c.789G>C (p.Ser263=)

Gene: ENO3 (enolase 3; plus strand). Cytogenetic location: 17p13.2.
Variant type: single nucleotide variant.
Coding change: c.789G>C on transcript NM_053013.4 (MANE Select); coding-DNA position 789, G replaced by C.
Protein change: p.Ser263=; no amino-acid change (serine 263 retained).
Molecular consequence: synonymous variant.
Genome position (GRCh38, 1-based): chr17:4,955,528, G>C. VCF-style: chr17-4955528-G-C. GRCh37 (hg19) VCF-style: chr17-4858823-G-C.
Other names: c.660G>C, p.Ser220= (NM_001193503.2); c.789G>C, p.Ser263= (NM_001976.5).
Identifiers: ClinVar variation 324146 (VCV000324146.17), dbSNP rs75748087, ClinGen allele CA8316430.

ClinVar aggregate classification (germline): Benign/Likely benign. Review status: criteria provided, multiple submitters, no conflicts (2 of 4 stars). 4 submissions from 4 submitters: Benign (3); Likely benign (1). Last evaluated 2026-01-28.

Conditions:
Glycogen storage disease due to muscle beta-enolase deficiency (GSD13). Also called: ENOLASE 3 DEFICIENCY; ENOLASE-BETA DEFICIENCY; GSD XIII; Glycogen Storage Disease Type XIII. Identifiers: Orphanet 99849, MedGen C2752027, MONDO:0013046, OMIM 612932.

Allele frequency attached by ClinVar (database versions not stated): TOPMed 0.00011; 1000 Genomes Project 30x 0.00640; 1000 Genomes Project 0.00699.
gnomAD v4.1: 3,190 of 1,614,190 alleles (0.2%); highest among the groups gnomAD compares: South Asian, 3.3%; 86 homozygotes.

Submissions (4):

Labcorp Genetics (formerly Invitae), Labcorp
Classification: Benign for Glycogen storage disease due to muscle beta-enolase deficiency. Last evaluated: 2026-01-28. Review status: criteria provided, single submitter. Criteria: Invitae Variant Classification Sherloc (09022015). Collection method: clinical testing. Allele origin: germline.

Fulgent Genetics
Classification: Likely benign for Glycogen storage disease due to muscle beta-enolase deficiency. Last evaluated: 2021-08-12. Review status: criteria provided, single submitter. Criteria: ACMG Guidelines, 2015. Collection method: clinical testing. Allele origin: unknown.

Illumina Laboratory Services, Illumina
Classification: Benign for Glycogen storage disease due to muscle beta-enolase deficiency. Last evaluated: 2018-01-12. Review status: criteria provided, single submitter. Criteria: ICSL Variant Classification Criteria 13 December 2019. Collection method: clinical testing. Allele origin: germline.
Comment: This variant was observed in the ICSL laboratory as part of a predisposition screen in an ostensibly healthy population. It had not been previously curated by ICSL or reported in the Human Gene Mutation Database (HGMD: prior to June 1st, 2018), and was therefore a candidate for classification through an automated scoring system. Utilizing variant allele frequency, disease prevalence and penetrance estimates, and inheritance mode, an automated score was calculated to assess if this variant is too frequent to cause the disease. Based on the score and internal cut-off values, a variant classified as benign is not then subjected to further curation. The score for this variant resulted in a classification of benign for this disease.

Breakthrough Genomics
Classification: Benign. Review status: criteria provided, single submitter. Criteria: ACMG Guidelines, 2015. Collection method: not provided. Allele origin: germline. Inheritance: Autosomal recessive inheritance. Affected: yes.